The following is an entry in ClinVar:

ClinVar aggregate classification (germline): Uncertain significance (1 of 4 stars; one submission).

Conditions:
Werner syndrome (WRN). Identifiers: Orphanet 902, MedGen C0043119, MONDO:0010196, OMIM 277700.

Allele frequency attached by ClinVar (database versions not stated): gnomAD exomes below 0.00001.
gnomAD v4.1: 1 of 1,614,012 alleles (0.000062%); highest among the groups gnomAD compares: Admixed American, 0.0017%; no homozygotes.

Submission:

Labcorp Genetics (formerly Invitae), Labcorp
Classification: Uncertain significance for Werner syndrome. Last evaluated: 2023-12-03. Review status: criteria provided, single submitter. Criteria: Invitae Variant Classification Sherloc (09022015). Collection method: clinical testing. Allele origin: germline.
Comment: This sequence change replaces arginine, which is basic and polar, with glycine, which is neutral and non-polar, at codon 389 of the WRN protein (p.Arg389Gly). This variant is present in population databases (no rsID available, gnomAD 0.003%). This variant has not been reported in the literature in individuals affected with WRN-related conditions. Algorithms developed to predict the effect of missense changes on protein structure and function output the following: SIFT: "Not Available"; PolyPhen-2: "Benign"; Align-GVGD: "Not Available". The glycine amino acid residue is found in multiple mammalian species, which suggests that this missense change does not adversely affect protein function. In summary, the available evidence is currently insufficient to determine the role of this variant in disease. Therefore, it has been classified as a Variant of Uncertain Significance.

NM_000553.6(WRN):c.1165A>G (p.Arg389Gly)

Gene: WRN (WRN RecQ like helicase; plus strand). Cytogenetic location: 8p12.
Variant type: single nucleotide variant.
Coding change: c.1165A>G on transcript NM_000553.6 (MANE Select); coding-DNA position 1165, A replaced by G.
Protein change: p.Arg389Gly; replaces arginine 389 with glycine.
Molecular consequence: missense variant.
Genome position (GRCh38, 1-based): chr8:31,081,192, A>G. VCF-style: chr8-31081192-A-G. GRCh37 (hg19) VCF-style: chr8-30938708-A-G.
Other names: short protein forms R389G.
Identifiers: ClinVar variation 2769728 (VCV002769728.3), dbSNP rs1311991971, ClinGen allele CA370921054.
Genomic context (GRCh38, chr8:31,081,192, plus strand): 5'-CGAAAAGAAGATGGATTTGAAGATGGAGTAGAAGACAACAAATTGAAAGAGAATATGGAA[A>G]GAGCTTGTTTGATGTCGTTAGATATTACAGAACATGAACTCCAAATTTTGGAACAGCAGT-3'
Protein context (NP_000544.2, residues 379-399): EDNKLKENME[Arg389Gly]ACLMSLDITE